The following is an entry in ClinVar:

NM_001244008.2(KIF1A):c.3816+9C>T

Genes: KIF1A (kinesin family member 1A; minus strand), LOC126806583 (P300/CBP strongly-dependent group 1 enhancer GRCh37_chr2:241678910-241680109; plus strand). Cytogenetic location: 2q37.3.
Variant type: single nucleotide variant.
Coding change: c.3816+9C>T on transcript NM_001244008.2 (MANE Select); 9 bases into the intron after coding-DNA position 3816, C replaced by T.
Molecular consequence: intron variant.
Genome position (GRCh38, 1-based): chr2:240,740,289, G>A on the plus strand (C>T on the coding strand, the complement: KIF1A is on the minus strand). VCF-style: chr2-240740289-G-A. GRCh37 (hg19) VCF-style: chr2-241679706-G-A.
Other names: c.3513+9C>T (NM_001379653.1, NM_001379650.1, NM_001379641.1 and 5 more transcripts); c.3789+9C>T (NM_001379645.1, NM_001379633.1, NM_001379642.1); c.3615+9C>T (NM_001379635.1, NM_001330290.2, NM_001379646.1 and 1 more transcripts); c.3510+9C>T (NM_001379640.1); c.3765+9C>T (NM_001379632.1); c.3588+9C>T (NM_001379637.1, NM_001379648.1); c.3540+9C>T (NM_001320705.2, NM_001379638.1, NM_001330289.2); c.3891+9C>T (NM_001379631.1).
Identifiers: ClinVar variation 464238 (VCV000464238.11), dbSNP rs527731125, ClinGen allele CA2207639.
Genomic context (GRCh38, chr2:240,740,289, plus strand): 5'-GGGAGAGGCTCACACCTGGTGGGGTGGGGGAGGGGACACAGGCAGGGTAGGGGCAAGAGG[G>A]GCTCACACCTGGTGGAGGAGGAAGGTCCCCATGCATGGCATGCCCCCACGGTGGTCCACC-3'

ClinVar aggregate classification (germline): Benign/Likely benign. Review status: criteria provided, multiple submitters, no conflicts (2 of 4 stars). 3 submissions from 3 submitters: Benign (1); Likely benign (2). Last evaluated 2026-01-12.

Conditions:
Neuropathy, hereditary sensory, type 2C. Also called: KIF1A-Related HSAN2 (HSAN2C); Hereditary sensory and autonomic neuropathy type IIC. Identifiers: Orphanet 970, MedGen C3280168, MONDO:0013634, OMIM 614213.
Intellectual disability, autosomal dominant 9 (NESCAVS). Also called: KIF1A-Related Neurodevelopmental Disorder; NESCAV SYNDROME. Identifiers: Orphanet 662367, MedGen C5393830, MONDO:0013656, OMIM 614255.
Hereditary spastic paraplegia 30. Identifiers: Orphanet 101010, MedGen C5235139, MONDO:0012476.

Allele frequency attached by ClinVar (database versions not stated): gnomAD 0.00002 and 0.00010; TOPMed 0.00002; 1000 Genomes Project 0.00080; 1000 Genomes Project 30x 0.00094.
gnomAD v4.1: 251 of 1,612,206 alleles (0.016%); highest among the groups gnomAD compares: South Asian, 0.17%; 5 homozygotes.

Submissions (3):

Labcorp Genetics (formerly Invitae), Labcorp
Classification: Benign for Hereditary spastic paraplegia 30; Neuropathy, hereditary sensory, type 2C; Intellectual disability, autosomal dominant 9. Last evaluated: 2026-01-12. Review status: criteria provided, single submitter. Criteria: Invitae Variant Classification Sherloc (09022015). Collection method: clinical testing. Allele origin: germline.

Blueprint Genetics
Classification: Likely benign. Last evaluated: 2024-11-13. Review status: criteria provided, single submitter. Criteria: ACMG Guidelines, 2015. Collection method: clinical testing. Allele origin: germline.

GeneDx
Classification: Likely benign. Last evaluated: 2017-01-18. Review status: criteria provided, single submitter. Criteria: GeneDx Variant Classification (06012015). Collection method: clinical testing. Allele origin: germline. Affected: yes.
Comment: This variant is considered likely benign or benign based on one or more of the following criteria: it is a conservative change, it occurs at a poorly conserved position in the protein, it is predicted to be benign by multiple in silico algorithms, and/or has population frequency not consistent with disease.